The following is an entry in ClinVar:

ClinVar aggregate classification (germline): Pathogenic (1 of 4 stars; one submission).

Submission:

Labcorp Genetics (formerly Invitae), Labcorp
Classification: Pathogenic. Last evaluated: 2025-10-02. Review status: criteria provided, single submitter. Criteria: Invitae Variant Classification Sherloc (09022015). Collection method: clinical testing. Allele origin: germline.
Comment: This sequence change creates a premature translational stop signal (p.Ser3Thrfs*26) in the TUBGCP6 gene. It is expected to result in an absent or disrupted protein product. Loss-of-function variants in TUBGCP6 are known to be pathogenic (PMID: 25344692). This variant is present in population databases (no rsID available, gnomAD 0.0009%). This variant has not been reported in the literature in individuals affected with TUBGCP6-related conditions. ClinVar contains an entry for this variant (Variation ID: 3700530). For these reasons, this variant has been classified as Pathogenic.

Literature cited by the submitters: PubMed 25344692.

NM_020461.4(TUBGCP6):c.8del (p.Ser3fs)

Gene: TUBGCP6 (tubulin gamma complex component 6; minus strand). Cytogenetic location: 22q13.33.
Variant type: Deletion.
Coding change: c.8del on transcript NM_020461.4 (MANE Select); coding-DNA position 8, one base deleted (G; older notation c.8delG).
Protein change: p.Ser3fs; shifts the reading frame from serine 3.
Molecular consequence: frameshift variant.
Genome position (GRCh38, 1-based): chr22:50,244,452, C deleted on the plus strand (G on the coding strand, the reverse complement: TUBGCP6 is on the minus strand). VCF-style (leftmost placement, unchanged base first): chr22-50244451-GC-G. GRCh37 (hg19) VCF-style: chr22-50682880-GC-G.
Other names: short protein forms S3fs.
Identifiers: ClinVar variation 3700530 (VCV003700530.2).